The following is an entry in ClinVar:

NM_001365276.2(TNXB):c.10403C>A (p.Ser3468Tyr)

Gene: TNXB (tenascin XB; minus strand). Cytogenetic location: 6p21.33.
Variant type: single nucleotide variant.
Coding change: c.10403C>A on transcript NM_001365276.2 (MANE Select); coding-DNA position 10403, C replaced by A.
Protein change: p.Ser3468Tyr; replaces serine 3468 with tyrosine.
Molecular consequence: missense variant.
Genome position (GRCh38, 1-based): chr6:32,046,378, G>T on the plus strand (C>A on the coding strand, the complement: TNXB is on the minus strand). VCF-style: chr6-32046378-G-T. GRCh37 (hg19) VCF-style: chr6-32014155-G-T.
Other names: c.10397C>A, p.Ser3466Tyr (NM_019105.8); short protein forms S3466Y, S3468Y.
Identifiers: ClinVar variation 1773399 (VCV001773399.2), dbSNP rs747559127, ClinGen allele CA3733235.

ClinVar aggregate classification (germline): Uncertain significance (1 of 4 stars; one submission).

Conditions:
Cardiovascular phenotype. Identifiers: MedGen CN230736.

Allele frequency attached by ClinVar (database versions not stated): gnomAD exomes 0.00001; ExAC 0.00004.

Submission:

Ambry Genetics
Classification: Uncertain significance for Cardiovascular phenotype. Last evaluated: 2020-02-18. Review status: criteria provided, single submitter. Criteria: Ambry Variant Classification Scheme 2023. Collection method: clinical testing. Allele origin: germline.
Comment: The p.S3466Y variant (also known as c.10397C>A), located in coding exon 30 of the TNXB gene, results from a C to A substitution at nucleotide position 10397. The serine at codon 3466 is replaced by tyrosine, an amino acid with dissimilar properties. This amino acid position is not well conserved in available vertebrate species. In addition, this alteration is predicted to be tolerated by in silico analysis. Since supporting evidence is limited at this time, the clinical significance of this alteration remains unclear.